The following is an entry in ClinVar:

NM_001244008.2(KIF1A):c.174G>A (p.Ser58=)

Gene: KIF1A (kinesin family member 1A; minus strand). Cytogenetic location: 2q37.3.
Variant type: single nucleotide variant.
Coding change: c.174G>A on transcript NM_001244008.2 (MANE Select); coding-DNA position 174, G replaced by A.
Protein change: p.Ser58=; no amino-acid change (serine 58 retained).
Molecular consequence: synonymous variant.
Genome position (GRCh38, 1-based): chr2:240,789,245, C>T on the plus strand (G>A on the coding strand, the complement: KIF1A is on the minus strand). VCF-style: chr2-240789245-C-T. GRCh37 (hg19) VCF-style: chr2-241728662-C-T.
Other names: c.174G>A, p.Ser58= (NM_001320705.2, NM_001330289.2, NM_001330290.2 and 20 more transcripts).
Identifiers: ClinVar variation 728563 (VCV000728563.42), dbSNP rs369088708, ClinGen allele CA2208889.

ClinVar aggregate classification (germline): Likely benign. Review status: criteria provided, multiple submitters, no conflicts (2 of 4 stars). 3 submissions from 3 submitters: Likely benign (3). Last evaluated 2026-03-01.

Conditions:
Neuropathy, hereditary sensory, type 2C. Also called: Hereditary sensory and autonomic neuropathy type IIC; KIF1A-Related HSAN2 (HSAN2C). Identifiers: Orphanet 970, MedGen C3280168, MONDO:0013634, OMIM 614213.
Intellectual disability, autosomal dominant 9 (NESCAVS). Also called: NESCAV SYNDROME; KIF1A-Related Neurodevelopmental Disorder. Identifiers: Orphanet 662367, MedGen C5393830, MONDO:0013656, OMIM 614255.
Hereditary spastic paraplegia 30. Identifiers: Orphanet 101010, MedGen C5235139, MONDO:0012476.

Allele frequency attached by ClinVar (database versions not stated): TOPMed below 0.00001; gnomAD 0.00001; gnomAD exomes 0.00001; ExAC 0.00002; ESP Exome Variant Server 0.00008.
gnomAD v4.1: 5 of 1,613,448 alleles (0.00031%); highest among the groups gnomAD compares: Middle Eastern, 0.016%; no homozygotes.

Submissions (3):

CeGaT Center for Human Genetics Tuebingen
Classification: Likely benign. Last evaluated: 2026-03-01. Review status: criteria provided, single submitter. Criteria: CeGaT Center For Human Genetics Tuebingen Variant Classification Criteria Version 2. Collection method: clinical testing. Allele origin: germline. Affected: yes. Observed: 2 variant alleles.
Comment: KIF1A: BP4, BP7

Labcorp Genetics (formerly Invitae), Labcorp
Classification: Likely benign for Hereditary spastic paraplegia 30; Neuropathy, hereditary sensory, type 2C; Intellectual disability, autosomal dominant 9. Last evaluated: 2025-10-01. Review status: criteria provided, single submitter. Criteria: Invitae Variant Classification Sherloc (09022015). Collection method: clinical testing. Allele origin: germline.

Women's Health and Genetics/Laboratory Corporation of America, LabCorp
Classification: Likely benign. Last evaluated: 2025-07-23. Review status: criteria provided, single submitter. Criteria: LabCorp Variant Classification Summary - May 2015. Collection method: clinical testing. Allele origin: germline.